The following is an entry in ClinVar:

ClinVar aggregate classification (germline): Pathogenic/Likely pathogenic. Review status: criteria provided, multiple submitters, no conflicts (2 of 4 stars). 2 submissions from 2 submitters: Pathogenic (1); Likely pathogenic (1). Last evaluated 2025-05-05.

Conditions:
Dilated cardiomyopathy 1G (CMD1G). Identifiers: Orphanet 154, MedGen C1858763, MONDO:0011400, OMIM 604145.
Autosomal recessive limb-girdle muscular dystrophy type 2J (LGMDR10). Also called: Limb-girdle muscular dystrophy, type 2J; MUSCULAR DYSTROPHY, LIMB-GIRDLE, AUTOSOMAL RECESSIVE 10. Identifiers: Orphanet 140922, MedGen C1837342, MONDO:0012127, OMIM 608807.

Submissions (2):

Labcorp Genetics (formerly Invitae), Labcorp
Classification: Likely pathogenic for Dilated cardiomyopathy 1G; Autosomal recessive limb-girdle muscular dystrophy type 2J. Last evaluated: 2025-05-05. Review status: criteria provided, single submitter. Criteria: Invitae Variant Classification Sherloc (09022015). Collection method: clinical testing. Allele origin: germline.
Comment: This sequence change creates a premature translational stop signal (p.Gln31949*) in the TTN gene. While this is not anticipated to result in nonsense mediated decay, it is expected to create a truncated TTN protein. This variant is not present in population databases (gnomAD no frequency). This variant has not been reported in the literature in individuals affected with TTN-related conditions. ClinVar contains an entry for this variant (Variation ID: 1489350). This variant is located in the A band of TTN (PMID: 25589632). Truncating variants in this region are significantly overrepresented in patients affected with dilated cardiomyopathy (PMID: 25589632). Truncating variants in this region have also been reported in individuals affected with autosomal recessive centronuclear myopathy (PMID: 23975875). In summary, the currently available evidence indicates that the variant is pathogenic, but additional data are needed to prove that conclusively. Therefore, this variant has been classified as Likely Pathogenic.

GeneDx
Classification: Pathogenic. Last evaluated: 2022-12-21. Review status: criteria provided, single submitter. Criteria: GeneDx Variant Classification Process June 2021. Collection method: clinical testing. Allele origin: germline. Affected: yes.
Comment: Nonsense variant predicted to result in protein truncation or nonsense mediated decay in a gene for which loss of function is a known mechanism of disease; Located in the A-band region of TTN in which the majority of loss of function variants have been associated with autosomal dominant titinopathies (Herman et al., 2012); Not observed at significant frequency in large population cohorts (gnomAD); Has not been previously published as pathogenic or benign to our knowledge; This variant is associated with the following publications: (PMID: 22335739)

Literature cited by the submitters: PubMed 25589632 (cited by Labcorp Genetics (formerly Invitae), Labcorp); PubMed 23975875 (cited by Labcorp Genetics (formerly Invitae), Labcorp).

NM_001267550.2(TTN):c.95845C>T (p.Gln31949Ter)

Genes: TTN-AS1 (TTN antisense RNA 1; plus strand), TTN (titin; minus strand). Cytogenetic location: 2q31.2.
Variant type: single nucleotide variant.
Coding change: c.95845C>T on transcript NM_001267550.2 (MANE Select); coding-DNA position 95845, C replaced by T.
Protein change: p.Gln31949Ter; replaces glutamine 31949 with a stop codon.
Molecular consequence: nonsense.
Genome position (GRCh38, 1-based): chr2:178,544,384, G>A on the plus strand (C>T on the coding strand, the complement: TTN is on the minus strand). VCF-style: chr2-178544384-G-A. GRCh37 (hg19) VCF-style: chr2-179409111-G-A.
Other names: c.95845C>T (NM_001267550.1); c.90922C>T, p.Gln30308Ter (NM_001256850.1); c.68650C>T, p.Gln22884Ter (NM_003319.4); c.88141C>T, p.Gln29381Ter (NM_133378.4); c.69025C>T, p.Gln23009Ter (NM_133432.3); c.69226C>T, p.Gln23076Ter (NM_133437.4); short protein forms Q29381*, Q30308*, Q31949*, Q22884*, Q23009*, Q23076*.
Identifiers: ClinVar variation 1489350 (VCV001489350.8), dbSNP rs2154144237, ClinGen allele CA349456914.